The following is an entry in ClinVar:

NM_005566.4(LDHA):c.419-164G>C

Gene: LDHA (lactate dehydrogenase A; plus strand). Cytogenetic location: 11p15.1.
Variant type: single nucleotide variant.
Coding change: c.419-164G>C on transcript NM_005566.4 (MANE Select); 164 bases into the intron before coding-DNA position 419, G replaced by C.
Molecular consequence: intron variant.
Genome position (GRCh38, 1-based): chr11:18,402,676, G>C. VCF-style: chr11-18402676-G-C. GRCh37 (hg19) VCF-style: chr11-18424223-G-C.
Other names: c.419-164G>C (NM_001165416.2, NM_001165415.2); c.245-164G>C (NM_001135239.2); c.506-164G>C (NM_001165414.2).
Identifiers: ClinVar variation 683025 (VCV000683025.2), dbSNP rs10832932, ClinGen allele CA15683206.

ClinVar aggregate classification (germline): Benign. Review status: criteria provided, multiple submitters, no conflicts (2 of 4 stars). 2 submissions from 2 submitters: Benign (2). Last evaluated 2018-06-14.

Allele frequency attached by ClinVar (database versions not stated): 1000 Genomes Project 30x 0.62742; TOPMed 0.63392; 1000 Genomes Project 0.63478; gnomAD 0.64478 and 0.65023; gnomAD exomes 0.70708.
gnomAD v4.1: 448,447 of 646,902 alleles (69%); highest among the groups gnomAD compares: South Asian, 75%; 157,696 homozygotes.

Submissions (2):

GeneDx
Classification: Benign. Last evaluated: 2018-06-14. Review status: criteria provided, single submitter. Criteria: GeneDx Variant Classification (06012015). Collection method: clinical testing. Allele origin: germline. Affected: yes.
Comment: This variant is considered likely benign or benign based on one or more of the following criteria: it is a conservative change, it occurs at a poorly conserved position in the protein, it is predicted to be benign by multiple in silico algorithms, and/or has population frequency not consistent with disease.

Breakthrough Genomics
Classification: Benign. Review status: criteria provided, single submitter. Criteria: ACMG Guidelines, 2015. Collection method: not provided. Allele origin: germline. Inheritance: Autosomal recessive inheritance. Affected: yes.